The following is an entry in ClinVar:

ClinVar aggregate classification (germline): Conflicting classifications of pathogenicity. Review status: criteria provided, conflicting classifications (1 of 4 stars). 3 submissions from 3 submitters: Likely pathogenic (1); Uncertain significance (2). Last evaluated 2026-09-04.

Conditions:
Cardiovascular phenotype. Identifiers: MedGen CN230736.
Long QT syndrome (LQTS). Identifiers: MedGen C0023976, MeSH D008133, MONDO:0002442. Disease mechanism: loss of function. Inheritance: Various modes of inheritance.

Submissions (3):

Ambry Genetics
Classification: Uncertain significance for Cardiovascular phenotype. Last evaluated: 2026-09-04. Review status: criteria provided, single submitter. Criteria: Ambry Variant Classification Scheme 2023. Collection method: clinical testing. Allele origin: germline.
Comment: The p.E95A variant (also known as c.284A>C), located in coding exon 2 of the KCNH2 gene, results from an A to C substitution at nucleotide position 284. The glutamic acid at codon 95 is replaced by alanine, an amino acid with dissimilar properties. This variant was identified in one or more individuals with features consistent with long QT syndrome, and segregated with disease in at least one family (external communication). This amino acid position is highly conserved in available vertebrate species. In addition, this alteration is predicted to be deleterious by in silico analysis. Since supporting evidence is limited at this time, the clinical significance of this alteration remains unclear.

GeneDx
Classification: Likely pathogenic. Last evaluated: 2025-08-01. Review status: criteria provided, single submitter. Criteria: GeneDx Variant Classification Process June 2021. Collection method: clinical testing. Allele origin: germline. Affected: yes.
Comment: Not observed at significant frequency in large population cohorts (gnomAD); In silico analysis supports that this missense variant has a deleterious effect on protein structure/function; Has not been previously published as pathogenic or benign to our knowledge

Labcorp Genetics (formerly Invitae), Labcorp
Classification: Uncertain significance for Long QT syndrome. Last evaluated: 2020-10-15. Review status: criteria provided, single submitter. Criteria: Invitae Variant Classification Sherloc (09022015). Collection method: clinical testing. Allele origin: germline.
Comment: Algorithms developed to predict the effect of missense changes on protein structure and function are either unavailable or do not agree on the potential impact of this missense change (SIFT: "Deleterious"; PolyPhen-2: "Possibly Damaging"; Align-GVGD: "Class C0"). This variant has been observed in individual(s) with suspected long QT syndrome (PMID: 23098067). This variant is not present in population databases (ExAC no frequency). This sequence change replaces glutamic acid with alanine at codon 95 of the KCNH2 protein (p.Glu95Ala). The glutamic acid residue is moderately conserved and there is a moderate physicochemical difference between glutamic acid and alanine. In summary, the available evidence is currently insufficient to determine the role of this variant in disease. Therefore, it has been classified as a Variant of Uncertain Significance.

Literature cited by the submitters: PubMed 23098067 (cited by Labcorp Genetics (formerly Invitae), Labcorp).

NM_000238.4(KCNH2):c.284A>C (p.Glu95Ala)

Gene: KCNH2 (potassium voltage-gated channel subfamily H member 2; minus strand). Cytogenetic location: 7q36.1.
Variant type: single nucleotide variant.
Coding change: c.284A>C on transcript NM_000238.4 (MANE Select); coding-DNA position 284, A replaced by C.
Protein change: p.Glu95Ala; replaces glutamic acid 95 with alanine.
Molecular consequence: missense variant.
Genome position (GRCh38, 1-based): chr7:150,974,734, T>G on the plus strand (A>C on the coding strand, the complement: KCNH2 is on the minus strand). VCF-style: chr7-150974734-T-G. GRCh37 (hg19) VCF-style: chr7-150671822-T-G.
Other names: p.E95A:GAA>GCA; c.107A>C, p.Glu36Ala (NM_001406755.1); c.284A>C, p.Glu95Ala (NM_172056.3); short protein forms E95A, E36A.
Identifiers: ClinVar variation 200578 (VCV000200578.15), dbSNP rs794728414, ClinGen allele CA007512.